The following is an entry in ClinVar:

ClinVar aggregate classification (germline): Likely benign. Review status: criteria provided, single submitter (1 of 4 stars). 2 submissions from 2 submitters: Likely benign (1). 1 of the submissions does not count toward it. Last evaluated 2022-05-16.

Conditions:
Pierson syndrome. Also called: MICROCORIA-CONGENITAL NEPHROTIC SYNDROME. Identifiers: Orphanet 2670, MedGen C1836876, MONDO:0012184, OMIM 609049.
LAMB2-related infantile-onset nephrotic syndrome. Also called: Nephrotic Syndrome, type 5; NEPHROTIC SYNDROME, TYPE 5, WITHOUT OCULAR ABNORMALITIES; NEPHROTIC SYNDROME, TYPE 5, WITH OCULAR ABNORMALITIES. Identifiers: Orphanet 306507, MedGen C3280113, MONDO:0013621, OMIM 614199.
LAMB2-related disorder. Also called: LAMB2-related condition.

gnomAD v4.1: 30 of 1,614,060 alleles (0.0019%); highest among the groups gnomAD compares: Admixed American, 0.04%; no homozygotes.

Submissions (2):

Labcorp Genetics (formerly Invitae), Labcorp
Classification: Likely benign for LAMB2-related infantile-onset nephrotic syndrome; Pierson syndrome. Last evaluated: 2022-05-16. Review status: criteria provided, single submitter. Criteria: Invitae Variant Classification Sherloc (09022015). Collection method: clinical testing. Allele origin: germline.

PreventionGenetics, part of Exact Sciences
Classification: Likely benign for LAMB2-related condition. Last evaluated: 2021-02-01. Review status: no assertion criteria provided. Collection method: clinical testing. Allele origin: germline. Not counted in ClinVar's aggregate classification.
Comment: This variant is classified as likely benign based on ACMG/AMP sequence variant interpretation guidelines (Richards et al. 2015 PMID: 25741868, with internal and published modifications).

NM_002292.4(LAMB2):c.2322C>T (p.Thr774=)

Gene: LAMB2 (laminin subunit beta 2; minus strand). Cytogenetic location: 3p21.31.
Variant type: single nucleotide variant.
Coding change: c.2322C>T on transcript NM_002292.4 (MANE Select); coding-DNA position 2322, C replaced by T.
Protein change: p.Thr774=; no amino-acid change (threonine 774 retained).
Molecular consequence: synonymous variant.
Genome position (GRCh38, 1-based): chr3:49,125,989, G>A on the plus strand (C>T on the coding strand, the complement: LAMB2 is on the minus strand). VCF-style: chr3-49125989-G-A. GRCh37 (hg19) VCF-style: chr3-49163422-G-A.
Other names: c.2322C>T (NM_002292.3).
Identifiers: ClinVar variation 2072542 (VCV002072542.6), dbSNP rs142116851, ClinGen allele CA2394335.